The following is an entry in ClinVar:

ClinVar aggregate classification (germline): Uncertain significance (1 of 4 stars; one submission).

Conditions:
Fontaine progeroid syndrome. Also called: Gorlin-Chaudhry-Moss syndrome; Progeroid syndrome congenital Petty type; Petty Laxova Wiedemann syndrome; SLC25A24 Fontaine Progeroid Syndrome; CRANIOFACIAL DYSOSTOSIS, HYPERTRICHOSIS, HYPOPLASIA OF LABIA MAJORA, DENTAL AND EYE ANOMALIES, PATENT DUCTUS ARTERIOSUS, AND NORMAL INTELLIGENCE; Craniofacial dysostosis, patent ductus arteriosus, hypertrichosis, hypoplasia of labia majora, dental and eye anomalies. Identifiers: Orphanet 2095, MedGen C2676780, MONDO:0012853, OMIM 612289.

Allele frequency attached by ClinVar (database versions not stated): gnomAD exomes below 0.00001.
gnomAD v4.1: 1 of 1,600,456 alleles (0.000062%); highest among the groups gnomAD compares: Non-Finnish European, 0.000085%; no homozygotes.

Submission:

Victorian Clinical Genetics Services, Murdoch Childrens Research Institute
Classification: Uncertain significance for Fontaine progeroid syndrome. Last evaluated: 2023-07-17. Review status: criteria provided, single submitter. Criteria: ACMG Guidelines, 2015. Collection method: clinical testing. Allele origin: germline. Inheritance: Autosomal dominant inheritance. Affected: yes.
Comment: Based on the classification scheme VCGS_Germline_v1.3.4, this variant is classified as VUS-3A. Following criteria are met: 0101 - Gain of function is a likely mechanism of disease in this gene and is associated with fontaine progeroid syndrome (MIM#612289). Mitochondria from affected individuals demonstrated enhanced membrane potential and reduced ATP within the mitochondrial matrix (PMID: 29100093). (I) 0107 - This gene is associated with autosomal dominant disease. (I) 0200 - Variant is predicted to result in a missense amino acid change from valine to phenylalanine. However, this variant is also close to the intron-exon boundary, and may have an effect on splicing. (I) 0251 - This variant is heterozygous. (I) 0301 - Variant is absent from gnomAD (both v2 and v3). (SP) 0501 - Missense variant consistently predicted to be damaging by multiple in silico tools or highly conserved with a major amino acid change. Splice in silico tools also predicted the loss of the acceptor site. (SP) 0600 - Variant is located in the annotated Mito_carr repeat domain (DECIPHER). (I) 0705 - No comparable missense variants have previous evidence for pathogenicity. (I) 0807 - This variant has no previous evidence of pathogenicity. (I) 0905 - No published segregation evidence has been identified for this variant. (I) 1007 - No published functional evidence has been identified for this variant. (I) 1208 - Inheritance information for this variant is not currently available in this individual. (I) Legend: (SP) - Supporting pathogenic, (I) - Information, (SB) - Supporting benign

Literature cited by the submitters: PubMed 29100093.

NM_013386.5(SLC25A24):c.931G>T (p.Val311Phe)

Gene: SLC25A24 (solute carrier family 25 member 24; minus strand). Cytogenetic location: 1p13.3.
Variant type: single nucleotide variant.
Coding change: c.931G>T on transcript NM_013386.5 (MANE Select); coding-DNA position 931, G replaced by T.
Protein change: p.Val311Phe; replaces valine 311 with phenylalanine.
Molecular consequence: missense variant.
Genome position (GRCh38, 1-based): chr1:108,143,710, C>A on the plus strand (G>T on the coding strand, the complement: SLC25A24 is on the minus strand). VCF-style: chr1-108143710-C-A. GRCh37 (hg19) VCF-style: chr1-108686332-C-A.
Other names: c.874G>T, p.Val292Phe (NM_213651.3); short protein forms V292F, V311F.
Identifiers: ClinVar variation 3254910 (VCV003254910.1), dbSNP rs2524021114.